The following is an entry in ClinVar:

NM_181426.2(CCDC39):c.1925A>G (p.Tyr642Cys)

Gene: CCDC39 (coiled-coil domain 39 molecular ruler complex subunit; minus strand). Cytogenetic location: 3q26.33.
Variant type: single nucleotide variant.
Coding change: c.1925A>G on transcript NM_181426.2 (MANE Select); coding-DNA position 1925, A replaced by G.
Protein change: p.Tyr642Cys; replaces tyrosine 642 with cysteine.
Molecular consequence: missense variant.
Genome position (GRCh38, 1-based): chr3:180,631,542, T>C on the plus strand (A>G on the coding strand, the complement: CCDC39 is on the minus strand). VCF-style: chr3-180631542-T-C. GRCh37 (hg19) VCF-style: chr3-180349330-T-C.
Other names: short protein forms Y642C.
Identifiers: ClinVar variation 4221223 (VCV004221223.1).

ClinVar aggregate classification (germline): Uncertain significance (1 of 4 stars; one submission).

Conditions:
Primary ciliary dyskinesia. Also called: Ciliary dyskinesia. Identifiers: Orphanet 244, MedGen C0008780, MONDO:0016575, HP:0012265.

gnomAD v4.1: 2 of 1,609,428 alleles (0.00012%); highest among the groups gnomAD compares: African/African-American, 0.0013%; no homozygotes.

Submission:

Ambry Genetics
Classification: Uncertain significance for Primary ciliary dyskinesia. Last evaluated: 2025-09-06. Review status: criteria provided, single submitter. Criteria: Ambry Variant Classification Scheme 2023. Collection method: clinical testing. Allele origin: germline.
Comment: The p.Y642C variant (also known as c.1925A>G), located in coding exon 14 of the CCDC39 gene, results from an A to G substitution at nucleotide position 1925. The tyrosine at codon 642 is replaced by cysteine, an amino acid with highly dissimilar properties. This amino acid position is conserved. In addition, this alteration is predicted to be deleterious by in silico analysis. Based on the available evidence, the clinical significance of this variant remains unclear.